The following is an entry in ClinVar:

ClinVar aggregate classification (germline): Likely benign. Review status: criteria provided, single submitter (1 of 4 stars). 2 submissions from 2 submitters: Likely benign (1). 1 of the submissions does not count toward it. Last evaluated 2025-12-01.

Conditions:
WDR1-related disorder. Also called: WDR1-related condition.

Allele frequency attached by ClinVar (database versions not stated): gnomAD exomes 0.00002; ExAC 0.00011; 1000 Genomes Project 0.00020; TOPMed 0.00024; gnomAD 0.00025; 1000 Genomes Project 30x 0.00031; ESP Exome Variant Server 0.00041.
gnomAD v4.1: 66 of 1,613,592 alleles (0.0041%); highest among the groups gnomAD compares: African/African-American, 0.079%; no homozygotes.

Submissions (2):

Labcorp Genetics (formerly Invitae), Labcorp
Classification: Likely benign. Last evaluated: 2025-12-01. Review status: criteria provided, single submitter. Criteria: Invitae Variant Classification Sherloc (09022015). Collection method: clinical testing. Allele origin: germline.

PreventionGenetics, part of Exact Sciences
Classification: Likely benign for WDR1-related condition. Last evaluated: 2022-01-31. Review status: no assertion criteria provided. Collection method: clinical testing. Allele origin: germline. Not counted in ClinVar's aggregate classification.
Comment: This variant is classified as likely benign based on ACMG/AMP sequence variant interpretation guidelines (Richards et al. 2015 PMID: 25741868, with internal and published modifications).

NM_017491.5(WDR1):c.33C>T (p.Ser11=)

Gene: WDR1 (WD repeat domain 1; minus strand). Cytogenetic location: 4p16.1.
Variant type: single nucleotide variant.
Coding change: c.33C>T on transcript NM_017491.5 (MANE Select); coding-DNA position 33, C replaced by T.
Protein change: p.Ser11=; no amino-acid change (serine 11 retained).
Molecular consequence: synonymous variant.
Genome position (GRCh38, 1-based): chr4:10,116,218, G>A on the plus strand (C>T on the coding strand, the complement: WDR1 is on the minus strand). VCF-style: chr4-10116218-G-A. GRCh37 (hg19) VCF-style: chr4-10117842-G-A.
Other names: c.33C>T, p.Ser11= (NM_005112.5); c.33C>T (NM_017491.3).
Identifiers: ClinVar variation 2049170 (VCV002049170.6), dbSNP rs369120898, ClinGen allele CA2858259.